The following is an entry in ClinVar:

NM_001128178.3(NPHP1):c.604G>C (p.Val202Leu)

Gene: NPHP1 (nephrocystin 1; minus strand). Cytogenetic location: 2q13.
Variant type: single nucleotide variant.
Coding change: c.604G>C on transcript NM_001128178.3 (MANE Select); coding-DNA position 604, G replaced by C.
Protein change: p.Val202Leu; replaces valine 202 with leucine.
Molecular consequence: missense variant.
Genome position (GRCh38, 1-based): chr2:110,168,472, C>G on the plus strand (G>C on the coding strand, the complement: NPHP1 is on the minus strand). VCF-style: chr2-110168472-C-G. GRCh37 (hg19) VCF-style: chr2-110926049-C-G.
Other names: c.604G>C, p.Val202Leu (NM_000272.5, NM_001374256.1, NM_001374257.1 and 1 more transcripts); c.418G>C, p.Val140Leu (NM_001128179.3); short protein forms V202L, V140L.
Identifiers: ClinVar variation 959022 (VCV000959022.10), dbSNP rs753605280, ClinGen allele CA1827349.

ClinVar aggregate classification (germline): Uncertain significance. Review status: criteria provided, multiple submitters, no conflicts (2 of 4 stars). 4 submissions from 4 submitters: Uncertain significance (3). 1 of the submissions does not count toward it. Last evaluated 2023-02-06.

Conditions:
NPHP1-related disorder. Also called: NPHP1-related disorders; NPHP1-related condition.
Nephronophthisis 1 (NPHP1). Also called: Nephronophthisis familial juvenile. Identifiers: Orphanet 655, Orphanet 93592, MedGen C1855681, MONDO:0009728, OMIM 256100.
Joubert syndrome with renal defect. Also called: JOUBERT SYNDROME 4. Identifiers: Orphanet 220497, MedGen C1846790, MONDO:0012308, OMIM 609583.
Senior-Loken syndrome 1 (SLSN1). Also called: JUVENILE NEPHRONOPHTHISIS WITH LEBER AMAUROSIS. Identifiers: Orphanet 3156, MedGen C4551559, MONDO:0009962, OMIM 266900.
Nephronophthisis. Also called: Juvenile Nephronophthisis. Identifiers: Orphanet 655, MedGen C0687120, MONDO:0019005, HP:0000090.
Inborn genetic diseases. Identifiers: MedGen C0950123, MeSH D030342.

Allele frequency attached by ClinVar (database versions not stated): TOPMed 0.00001; gnomAD 0.00001.
gnomAD v4.1: 11 of 1,611,762 alleles (0.00068%); highest among the groups gnomAD compares: Admixed American, 0.017%; no homozygotes.

Submissions (4):

Ambry Genetics
Classification: Uncertain significance for Inborn genetic diseases. Last evaluated: 2023-02-06. Review status: criteria provided, single submitter. Criteria: Ambry Variant Classification Scheme 2023. Collection method: clinical testing. Allele origin: germline.

Labcorp Genetics (formerly Invitae), Labcorp
Classification: Uncertain significance for Nephronophthisis. Last evaluated: 2022-10-07. Review status: criteria provided, single submitter. Criteria: Invitae Variant Classification Sherloc (09022015). Collection method: clinical testing. Allele origin: germline.
Comment: This sequence change replaces valine, which is neutral and non-polar, with leucine, which is neutral and non-polar, at codon 202 of the NPHP1 protein (p.Val202Leu). This variant is present in population databases (rs753605280, gnomAD 0.03%). This variant has not been reported in the literature in individuals affected with NPHP1-related conditions. ClinVar contains an entry for this variant (Variation ID: 959022). Advanced modeling of protein sequence and biophysical properties (such as structural, functional, and spatial information, amino acid conservation, physicochemical variation, residue mobility, and thermodynamic stability) has been performed at Invitae for this missense variant, however the output from this modeling did not meet the statistical confidence thresholds required to predict the impact of this variant on NPHP1 protein function. In summary, the available evidence is currently insufficient to determine the role of this variant in disease. Therefore, it has been classified as a Variant of Uncertain Significance.

Fulgent Genetics
Classification: Uncertain significance for Nephronophthisis 1; Senior-Loken syndrome 1; Joubert syndrome with renal defect. Last evaluated: 2022-05-30. Review status: criteria provided, single submitter. Criteria: ACMG Guidelines, 2015. Collection method: clinical testing. Allele origin: unknown.

PreventionGenetics, part of Exact Sciences
Classification: Uncertain significance for NPHP1-related condition. Last evaluated: 2024-08-31. Review status: no assertion criteria provided. Collection method: clinical testing. Allele origin: germline. Not counted in ClinVar's aggregate classification.
Comment: The NPHP1 c.604G>C variant is predicted to result in the amino acid substitution p.Val202Leu. To our knowledge, this variant has not been reported in the literature. This variant is reported in 0.023% of alleles in individuals of Latino descent in gnomAD. At this time, the clinical significance of this variant is uncertain due to the absence of conclusive functional and genetic evidence.